The following is an entry in ClinVar:

NM_006979.3(SLC39A7):c.1184C>T (p.Thr395Ile)

Gene: SLC39A7 (solute carrier family 39 member 7; plus strand). Cytogenetic location: 6p21.32.
Variant type: single nucleotide variant.
Coding change: c.1184C>T on transcript NM_006979.3 (MANE Select); coding-DNA position 1184, C replaced by T.
Protein change: p.Thr395Ile; replaces threonine 395 with isoleucine.
Molecular consequence: missense variant.
Genome position (GRCh38, 1-based): chr6:33,203,587, C>T. VCF-style: chr6-33203587-C-T. GRCh37 (hg19) VCF-style: chr6-33171364-C-T.
Other names: T395I; c.1184C>T, p.Thr395Ile (NM_001077516.2); c.809C>T, p.Thr270Ile (NM_001288777.2); short protein forms T270I.
Identifiers: ClinVar variation 1333092 (VCV001333092.2), dbSNP rs1416107120, ClinGen allele CA363647288.
Genomic context (GRCh38, chr6:33,203,587, plus strand): 5'-TTTCTGCCCATCAGGCGATGCGTCTGCAACTACTGACAGCAGTAGGGGCACTGGCAGGCA[C>T]AGCCTGTGCCCTTCTCACTGAAGGAGGAGCAGTGGGCAGTGAAATTGCAGGTGGTGCAGG-3'
Protein context (NP_008910.2, residues 385-405): LLTAVGALAG[Thr395Ile]ACALLTEGGA

ClinVar aggregate classification (germline): Uncertain significance. Review status: criteria provided, single submitter (1 of 4 stars). 2 submissions from 2 submitters: Uncertain significance (1). 1 of the submissions does not count toward it. Last evaluated 2024-09-30.

Conditions:
Agammaglobulinemia 9, autosomal recessive (AGM9). Also called: AGAMMAGLOBULINEMIA, AUTOSOMAL RECESSIVE, DUE TO SLC39A7 DEFECT. Identifiers: Orphanet 693627, MedGen C5562059, MONDO:0030519, OMIM 619693.

Allele frequency attached by ClinVar (database versions not stated): TOPMed below 0.00001; gnomAD 0.00001; gnomAD exomes below 0.00001.
gnomAD v4.1: 4 of 1,614,120 alleles (0.00025%); highest among the groups gnomAD compares: Admixed American, 0.0017%; no homozygotes.

Submissions (2):

GeneDx
Classification: Uncertain significance. Last evaluated: 2024-09-30. Review status: criteria provided, single submitter. Criteria: GeneDx Variant Classification Process June 2021. Collection method: clinical testing. Allele origin: germline. Affected: yes.
Comment: In silico analysis supports that this missense variant has a deleterious effect on protein structure/function; This variant is associated with the following publications: (PMID: 30718914, 35754127)

OMIM
Classification: Pathogenic for AGAMMAGLOBULINEMIA 9, AUTOSOMAL RECESSIVE. Last evaluated: 2022-01-10. Review status: no assertion criteria provided. Collection method: literature only. Allele origin: germline. Not counted in ClinVar's aggregate classification.

Literature cited by the submitters: PubMed 30718914 (cited by OMIM).